The following is an entry in ClinVar:

ClinVar aggregate classification (germline): Uncertain significance. Review status: criteria provided, multiple submitters, no conflicts (2 of 4 stars). 4 submissions from 4 submitters: Uncertain significance (4). Last evaluated 2026-03-26.

Conditions:
Progressive encephalopathy with leukodystrophy due to DECR deficiency. Identifiers: Orphanet 431361, MedGen C1857252, MONDO:0014464, OMIM 616034.
Inborn genetic diseases. Identifiers: MedGen C0950123, MeSH D030342.

Allele frequency attached by ClinVar (database versions not stated): ExAC 0.00051; gnomAD exomes 0.00056; gnomAD 0.00059 and 0.00056; ESP Exome Variant Server 0.00077; TOPMed 0.00062.
gnomAD v4.1: 1,467 of 1,613,664 alleles (0.091%); highest among the groups gnomAD compares: Non-Finnish European, 0.11%; 3 homozygotes.

Submissions (4):

GeneDx
Classification: Uncertain significance. Last evaluated: 2026-03-26. Review status: criteria provided, single submitter. Criteria: GeneDx Variant Classification Process June 2021. Collection method: clinical testing. Allele origin: germline.
Comment: In silico analysis suggests that this missense variant does not alter protein structure/function; Has not been previously published as pathogenic or benign to our knowledge

Labcorp Genetics (formerly Invitae), Labcorp
Classification: Uncertain significance for Progressive encephalopathy with leukodystrophy due to DECR deficiency. Last evaluated: 2025-12-11. Review status: criteria provided, single submitter. Criteria: Invitae Variant Classification Sherloc (09022015). Collection method: clinical testing. Allele origin: germline.
Comment: This sequence change replaces leucine, which is neutral and non-polar, with phenylalanine, which is neutral and non-polar, at codon 224 of the NADK2 protein (p.Leu224Phe). This variant is present in population databases (rs143886977, gnomAD 0.1%), and has an allele count higher than expected for a pathogenic variant. This variant has not been reported in the literature in individuals affected with NADK2-related conditions. ClinVar contains an entry for this variant (Variation ID: 1436228). Invitae Evidence Modeling of protein sequence and biophysical properties (such as structural, functional, and spatial information, amino acid conservation, physicochemical variation, residue mobility, and thermodynamic stability) indicates that this missense variant is not expected to disrupt NADK2 protein function with a negative predictive value of 80%. In summary, the available evidence is currently insufficient to determine the role of this variant in disease. Therefore, it has been classified as a Variant of Uncertain Significance.

Ambry Genetics
Classification: Uncertain significance for Inborn genetic diseases. Last evaluated: 2022-09-06. Review status: criteria provided, single submitter. Criteria: Ambry Variant Classification Scheme 2023. Collection method: clinical testing. Allele origin: germline.

Fulgent Genetics
Classification: Uncertain significance for Progressive encephalopathy with leukodystrophy due to DECR deficiency. Last evaluated: 2021-07-21. Review status: criteria provided, single submitter. Criteria: ACMG Guidelines, 2015. Collection method: clinical testing. Allele origin: unknown.

NM_001085411.3(NADK2):c.672A>T (p.Leu224Phe)

Gene: NADK2 (NAD kinase 2, mitochondrial; minus strand). Cytogenetic location: 5p13.2.
Variant type: single nucleotide variant.
Coding change: c.672A>T on transcript NM_001085411.3 (MANE Select); coding-DNA position 672, A replaced by T.
Protein change: p.Leu224Phe; replaces leucine 224 with phenylalanine.
Molecular consequence: missense variant.
Genome position (GRCh38, 1-based): chr5:36,217,857, T>A on the plus strand (A>T on the coding strand, the complement: NADK2 is on the minus strand). VCF-style: chr5-36217857-T-A. GRCh37 (hg19) VCF-style: chr5-36217959-T-A.
Other names: c.183A>T, p.Leu61Phe (NM_001287340.2, NM_001287341.2, NM_153013.5); c.672A>T (NM_001085411.1, NM_001085411.2); short protein forms L224F, L61F.
Identifiers: ClinVar variation 1436228 (VCV001436228.9), dbSNP rs143886977, ClinGen allele CA3234640.